The following is an entry in ClinVar:

ClinVar aggregate classification (germline): Uncertain significance (1 of 4 stars; one submission).

Submission:

Labcorp Genetics (formerly Invitae), Labcorp
Classification: Uncertain significance. Last evaluated: 2021-02-15. Review status: criteria provided, single submitter. Criteria: Invitae Variant Classification Sherloc (09022015). Collection method: clinical testing. Allele origin: germline.
Comment: Algorithms developed to predict the effect of missense changes on protein structure and function are either unavailable or do not agree on the potential impact of this missense change (SIFT: "Deleterious"; PolyPhen-2: "Probably Damaging"; Align-GVGD: "Class C0"). This variant has not been reported in the literature in individuals with POLE-related conditions. This variant is not present in population databases (ExAC no frequency). This sequence change replaces lysine with glutamine at codon 2106 of the POLE protein (p.Lys2106Gln). The lysine residue is highly conserved and there is a small physicochemical difference between lysine and glutamine. In summary, the available evidence is currently insufficient to determine the role of this variant in disease. Therefore, it has been classified as a Variant of Uncertain Significance.

NM_006231.4(POLE):c.6316A>C (p.Lys2106Gln)

Gene: POLE (DNA polymerase epsilon, catalytic subunit; minus strand). Cytogenetic location: 12q24.33.
Variant type: single nucleotide variant.
Coding change: c.6316A>C on transcript NM_006231.4 (MANE Select); coding-DNA position 6316, A replaced by C.
Protein change: p.Lys2106Gln; replaces lysine 2106 with glutamine.
Molecular consequence: missense variant.
Genome position (GRCh38, 1-based): chr12:132,632,329, T>G on the plus strand (A>C on the coding strand, the complement: POLE is on the minus strand). VCF-style: chr12-132632329-T-G. GRCh37 (hg19) VCF-style: chr12-133208915-T-G.
Other names: short protein forms K2106Q.
Identifiers: ClinVar variation 1431280 (VCV001431280.8), dbSNP rs2138459309, ClinGen allele CA387369215.
Genomic context (GRCh38, chr12:132,632,329, plus strand): 5'-CATGTACGTTAGTGTCCTCTCCTCACACGCACGCTGGCACTCTCACCTTGCACACGTATT[T>G]GATGAACTCCAGGGCAGGGTTATTGAGCAGCAAGTGGGAACCGGGGAGGACAGGAAACAT-3'
Protein context (NP_006222.2, residues 2096-2116): LLNNPALEFI[Lys2106Gln]YVCKVLSLDT